The following is an entry in ClinVar:

ClinVar aggregate classification (germline): Uncertain significance (1 of 4 stars; one submission).

Allele frequency attached by ClinVar (database versions not stated): ExAC 0.00001.
gnomAD v4.1: 2 of 1,612,912 alleles (0.00012%); highest among the groups gnomAD compares: South Asian, 0.0022%; no homozygotes.

Submission:

Labcorp Genetics (formerly Invitae), Labcorp
Classification: Uncertain significance. Last evaluated: 2023-08-04. Review status: criteria provided, single submitter. Criteria: Invitae Variant Classification Sherloc (09022015). Collection method: clinical testing. Allele origin: germline.
Comment: This sequence change replaces valine, which is neutral and non-polar, with alanine, which is neutral and non-polar, at codon 131 of the PEX3 protein (p.Val131Ala). This variant is present in population databases (rs764316016, gnomAD 0.003%). This variant has not been reported in the literature in individuals affected with PEX3-related conditions. ClinVar contains an entry for this variant (Variation ID: 2062150). Advanced modeling of protein sequence and biophysical properties (such as structural, functional, and spatial information, amino acid conservation, physicochemical variation, residue mobility, and thermodynamic stability) performed at Invitae indicates that this missense variant is expected to disrupt PEX3 protein function. In summary, the available evidence is currently insufficient to determine the role of this variant in disease. Therefore, it has been classified as a Variant of Uncertain Significance.

NM_003630.3(PEX3):c.392T>C (p.Val131Ala)

Gene: PEX3 (peroxisomal biogenesis factor 3; plus strand). Cytogenetic location: 6q24.2.
Variant type: single nucleotide variant.
Coding change: c.392T>C on transcript NM_003630.3 (MANE Select); coding-DNA position 392, T replaced by C.
Protein change: p.Val131Ala; replaces valine 131 with alanine.
Molecular consequence: missense variant.
Genome position (GRCh38, 1-based): chr6:143,471,021, T>C. VCF-style: chr6-143471021-T-C. GRCh37 (hg19) VCF-style: chr6-143792158-T-C.
Other names: short protein forms V131A.
Identifiers: ClinVar variation 2062150 (VCV002062150.4), dbSNP rs764316016, ClinGen allele CA4029554.